The following is an entry in ClinVar:

NC_000008.10:g.(?_1719221)_(1719783_?)del

Gene: CLN8 (CLN8 transmembrane ER and ERGIC protein; plus strand). Cytogenetic location: 8p23.3.
Variant type: Deletion.
Identifiers: ClinVar variation 3245411 (VCV003245411.1).

ClinVar aggregate classification (germline): Pathogenic (1 of 4 stars; one submission).

Conditions:
Neuronal ceroid lipofuscinosis. Also called: Neuronal Ceroid Lipofuscinoses. Identifiers: Orphanet 216, Orphanet 79263, MedGen C0027877, MONDO:0016295. Disease mechanism: loss of function.

Submission:

Labcorp Genetics (formerly Invitae), Labcorp
Classification: Pathogenic for Neuronal ceroid lipofuscinosis. Last evaluated: 2023-11-18. Review status: criteria provided, single submitter. Criteria: Invitae Variant Classification Sherloc (09022015). Collection method: clinical testing. Allele origin: unknown.
Comment: This variant is a gross deletion of the genomic region encompassing exon(s) 2 of the CLN8 gene, which includes the initiator codon. This deletion extends beyond the assayed region for this gene and therefore may encompass additional genes. It is expected to result in an absent or disrupted protein product. Loss-of-function variants in CLN8 are known to be pathogenic (PMID: 15024724). A similar copy number variant has been observed in individual(s) with CLN8-related conditions (PMID: 27629047). For these reasons, this variant has been classified as Pathogenic.

Literature cited by the submitters: PubMed 15024724; PubMed 27629047.